The following is an entry in ClinVar:

ClinVar aggregate classification (germline): Conflicting classifications of pathogenicity. Review status: criteria provided, conflicting classifications (1 of 4 stars). 2 submissions from 2 submitters: Uncertain significance (1); Likely benign (1). Last evaluated 2025-10-24.

Allele frequency attached by ClinVar (database versions not stated): gnomAD 0.00001; TOPMed 0.00001; ExAC 0.00002.
gnomAD v4.1: 40 of 1,613,850 alleles (0.0025%); highest among the groups gnomAD compares: South Asian, 0.0066%; no homozygotes.

Submissions (2):

Ambry Genetics
Classification: Likely benign. Last evaluated: 2025-10-24. Review status: criteria provided, single submitter. Criteria: Ambry Variant Classification Scheme 2023. Collection method: clinical testing. Allele origin: germline.

Labcorp Genetics (formerly Invitae), Labcorp
Classification: Uncertain significance. Last evaluated: 2022-10-05. Review status: criteria provided, single submitter. Criteria: Invitae Variant Classification Sherloc (09022015). Collection method: clinical testing. Allele origin: germline.
Comment: In summary, the available evidence is currently insufficient to determine the role of this variant in disease. Therefore, it has been classified as a Variant of Uncertain Significance. Algorithms developed to predict the effect of missense changes on protein structure and function output the following: SIFT: "Tolerated"; PolyPhen-2: "Benign"; Align-GVGD: "Class C0". The isoleucine amino acid residue is found in multiple mammalian species, which suggests that this missense change does not adversely affect protein function. This variant has not been reported in the literature in individuals affected with IL23R-related conditions. This variant is present in population databases (rs767104591, gnomAD 0.003%). This sequence change replaces valine, which is neutral and non-polar, with isoleucine, which is neutral and non-polar, at codon 291 of the IL23R protein (p.Val291Ile).

NM_144701.3(IL23R):c.871G>A (p.Val291Ile)

Gene: IL23R (interleukin 23 receptor; plus strand). Cytogenetic location: 1p31.3.
Variant type: single nucleotide variant.
Coding change: c.871G>A on transcript NM_144701.3 (MANE Select); coding-DNA position 871, G replaced by A.
Protein change: p.Val291Ile; replaces valine 291 with isoleucine.
Molecular consequence: missense variant.
Genome position (GRCh38, 1-based): chr1:67,219,646, G>A. VCF-style: chr1-67219646-G-A. GRCh37 (hg19) VCF-style: chr1-67685329-G-A.
Other names: c.871G>A (NM_144701.2); short protein forms V291I.
Identifiers: ClinVar variation 2414817 (VCV002414817.7), dbSNP rs767104591, ClinGen allele CA899861.